The following is an entry in ClinVar:

NM_020902.2(CAMSAP3):c.3089G>T (p.Arg1030Leu)

Gene: CAMSAP3 (calmodulin regulated spectrin associated protein family member 3; plus strand). Cytogenetic location: 19p13.2.
Variant type: single nucleotide variant.
Coding change: c.3089G>T on transcript NM_020902.2 (MANE Select); coding-DNA position 3089, G replaced by T.
Protein change: p.Arg1030Leu; replaces arginine 1030 with leucine.
Molecular consequence: missense variant.
Genome position (GRCh38, 1-based): chr19:7,615,696, G>T. VCF-style: chr19-7615696-G-T. GRCh37 (hg19) VCF-style: chr19-7680582-G-T.
Other names: c.3170G>T, p.Arg1057Leu (NM_001080429.3); short protein forms R1030L, R1057L.
Identifiers: ClinVar variation 3338533 (VCV003338533.1).
Genomic context (GRCh38, chr19:7,615,696, plus strand): 5'-GGGGCGGGCGGAGGGCCACCCGGCCTCGCTCGGGTTGCTGTGACGACTCAGCCCTGGCAC[G>T]AAGCCCAGCCCGCGGCCTGCTGGGTGAGGACCCTTGGGGGACGGGGCCTGCCCAGTGCCC-3'
Protein context (NP_065953.1, residues 1020-1040): SGCCDDSALA[Arg1030Leu]SPARGLLGSR

ClinVar aggregate classification (germline): Uncertain significance (1 of 4 stars; one submission).

Submission:

Greenwood Genetic Center Diagnostic Laboratories, Greenwood Genetic Center
Classification: Uncertain significance. Last evaluated: 2024-05-30. Review status: criteria provided, single submitter. Criteria: ACMG Guidelines, 2015. Collection method: clinical testing. Allele origin: germline. Affected: yes.
Comment: Gene of Uncertain Significance